The following is an entry in ClinVar:

ClinVar aggregate classification (germline): Uncertain significance (1 of 4 stars; one submission).

Submission:

Labcorp Genetics (formerly Invitae), Labcorp
Classification: Uncertain significance. Last evaluated: 2025-08-07. Review status: criteria provided, single submitter. Criteria: Invitae Variant Classification Sherloc (09022015). Collection method: clinical testing. Allele origin: germline.
Comment: This sequence change replaces lysine, which is basic and polar, with arginine, which is basic and polar, at codon 199 of the PROM1 protein (p.Lys199Arg). This variant is not present in population databases (gnomAD no frequency). This variant has not been reported in the literature in individuals affected with PROM1-related conditions. Invitae Evidence Modeling of protein sequence and biophysical properties (such as structural, functional, and spatial information, amino acid conservation, physicochemical variation, residue mobility, and thermodynamic stability) indicates that this missense variant is not expected to disrupt PROM1 protein function with a negative predictive value of 80%. Algorithms developed to predict the effect of sequence changes on RNA splicing suggest that this variant may create or strengthen a splice site. In summary, the available evidence is currently insufficient to determine the role of this variant in disease. Therefore, it has been classified as a Variant of Uncertain Significance.

NM_006017.3(PROM1):c.596A>G (p.Lys199Arg)

Gene: PROM1 (prominin 1; minus strand). Cytogenetic location: 4p15.32.
Variant type: single nucleotide variant.
Coding change: c.596A>G on transcript NM_006017.3 (MANE Select); coding-DNA position 596, A replaced by G.
Protein change: p.Lys199Arg; replaces lysine 199 with arginine.
Molecular consequence: missense variant. On other transcripts: non-coding transcript variant (2), intron variant (1).
Genome position (GRCh38, 1-based): chr4:16,025,226, T>C on the plus strand (A>G on the coding strand, the complement: PROM1 is on the minus strand). VCF-style: chr4-16025226-T-C. GRCh37 (hg19) VCF-style: chr4-16026849-T-C.
Other names: c.569A>G, p.Lys190Arg (NM_001145847.2, NM_001145848.2, NM_001145851.2 and 9 more transcripts); c.596A>G, p.Lys199Arg (NM_001145849.2, NM_001145850.2); c.230A>G, p.Lys77Arg (NM_001441179.1); c.519+50A>G (NM_001441174.1); short protein forms K190R, K199R, K77R.
Identifiers: ClinVar variation 4744482 (VCV004744482.1).